The following is an entry in ClinVar:

ClinVar aggregate classification (germline): Likely pathogenic (1 of 4 stars; one submission).

Conditions:
Leber congenital amaurosis (LCA). Also called: Leber's amaurosis. Identifiers: Orphanet 65, MedGen C0339527, MeSH D057130, MONDO:0018998.

Submission:

Natera, Inc.
Classification: Likely pathogenic for Leber congenital amaurosis. Last evaluated: 2025-05-29. Review status: criteria provided, single submitter. Criteria: Natera Variant Classification Schema (03/2026). Collection method: clinical testing. Allele origin: germline.
Comment: The c.3824_3825del variant in CRB1 is a frameshift variant predicted to shift the reading frame beginning at codon 1275 and leads to a stop codon 5 codons downstream. This variant is expected to result in nonsense mediated decay, truncation, or a dysfunctional protein product. This variant is rare in the general population with a frequency below the threshold expected for the associated phenotype(s). Given the available evidence, this variant is classified as Likely Pathogenic.

NM_201253.3(CRB1):c.3824_3825del (p.Thr1275fs)

Gene: CRB1 (crumbs cell polarity complex component 1; plus strand). Cytogenetic location: 1q31.3.
Variant type: Microsatellite.
Coding change: c.3824_3825del on transcript NM_201253.3 (MANE Select); coding-DNA positions 3824 to 3825, 2 bases deleted (CA; older notation c.3824_3825delCA).
Protein change: p.Thr1275fs; shifts the reading frame from threonine 1275.
Molecular consequence: frameshift variant. On other transcripts: non-coding transcript variant (2).
Genome position (GRCh38, 1-based): chr1:197,438,621-197,438,622, CA deleted; deleting any 2 consecutive bases within chr1:197,438,619-197,438,622 gives the same sequence; the c. name uses the placement nearest the transcript's 3' end. VCF-style (leftmost placement, unchanged base first): chr1-197438618-GCA-G. GRCh37 (hg19) VCF-style: chr1-197407748-GCA-G.
Other names: c.3488_3489del, p.Thr1163fs (NM_001193640.2); c.3752_3753del, p.Thr1251fs (NM_001257965.2); c.2216_2217del, p.Thr739fs (NM_001257966.2); short protein forms T1163fs, T1251fs, T1275fs, T739fs.
Identifiers: ClinVar variation 4065461 (VCV004065461.2).